The following is an entry in ClinVar:

ClinVar aggregate classification (germline): Likely benign (1 of 4 stars; one submission).

Submission:

CeGaT Center for Human Genetics Tuebingen
Classification: Likely benign. Last evaluated: 2025-04-01. Review status: criteria provided, single submitter. Criteria: CeGaT Center For Human Genetics Tuebingen Variant Classification Criteria Version 2. Collection method: clinical testing. Allele origin: germline. Affected: yes. Observed: 1 variant allele.
Comment: HYDIN: BP4, BS1

NM_001270974.2(HYDIN):c.8707G>C (p.Val2903Leu)

Gene: HYDIN (HYDIN axonemal central pair apparatus protein; minus strand). Cytogenetic location: 16q22.2.
Variant type: single nucleotide variant.
Coding change: c.8707G>C on transcript NM_001270974.2 (MANE Select); coding-DNA position 8707, G replaced by C.
Protein change: p.Val2903Leu; replaces valine 2903 with leucine.
Molecular consequence: missense variant.
Genome position (GRCh38, 1-based): chr16:70,903,767, C>G on the plus strand (G>C on the coding strand, the complement: HYDIN is on the minus strand). VCF-style: chr16-70903767-C-G. GRCh37 (hg19) VCF-style: chr16-70937670-C-G.
Other names: short protein forms V2903L.
Identifiers: ClinVar variation 3778008 (VCV003778008.7).
Genomic context (GRCh38, chr16:70,903,767, plus strand): 5'-AGATGGCTGGCTCTGGGTTGTCATTGATGCAGCAGACAATGCTGTCTTCAAAGACACCAA[C>G]TGAAGTAGGGTAGGCCCATACGTTTAATATCTGATGGAAGGAAAAGTCAAAAGAAAGTAC-3'
Protein context (NP_001257903.1, residues 2893-2913): ILNVWAYPTS[Val2903Leu]GVFEDSIVCC